The following is an entry in ClinVar:

NM_000016.6(ACADM):c.178A>T (p.Ile60Phe)

Gene: ACADM (acyl-CoA dehydrogenase medium chain; plus strand). Cytogenetic location: 1p31.1.
Variant type: single nucleotide variant.
Coding change: c.178A>T on transcript NM_000016.6 (MANE Select); coding-DNA position 178, A replaced by T.
Protein change: p.Ile60Phe; replaces isoleucine 60 with phenylalanine.
Molecular consequence: missense variant. On other transcripts: 5 prime UTR variant (1).
Genome position (GRCh38, 1-based): chr1:75,732,703, A>T. VCF-style: chr1-75732703-A-T. GRCh37 (hg19) VCF-style: chr1-76198388-A-T.
Other names: c.190A>T, p.Ile64Phe (NM_001127328.3); c.70A>T, p.Ile24Phe (NM_001286042.2); c.178A>T, p.Ile60Phe (NM_001286043.2); c.-208A>T (NM_001286044.2); short protein forms I24F, I60F, I64F.
Identifiers: ClinVar variation 3712398 (VCV003712398.2).

ClinVar aggregate classification (germline): Uncertain significance (1 of 4 stars; one submission).

Conditions:
Medium-chain acyl-coenzyme A dehydrogenase deficiency (ACADMD). Also called: Medium chain acyl-CoA dehydrogenase deficiency; CARNITINE DEFICIENCY SECONDARY TO MEDIUM-CHAIN ACYL-CoA DEHYDROGENASE DEFICIENCY; MCADD; MCAD Deficiency; MCADH DEFICIENCY; ACADM DEFICIENCY. Identifiers: Orphanet 42, MedGen C0220710, MONDO:0008721, OMIM 201450.

Submission:

Labcorp Genetics (formerly Invitae), Labcorp
Classification: Uncertain significance for Medium-chain acyl-coenzyme A dehydrogenase deficiency. Last evaluated: 2024-12-05. Review status: criteria provided, single submitter. Criteria: Invitae Variant Classification Sherloc (09022015). Collection method: clinical testing. Allele origin: germline.
Comment: This sequence change replaces isoleucine, which is neutral and non-polar, with phenylalanine, which is neutral and non-polar, at codon 60 of the ACADM protein (p.Ile60Phe). This variant is not present in population databases (gnomAD no frequency). This missense change has been observed in individual(s) with clinical features of MCAD deficiency (internal data). Invitae Evidence Modeling of protein sequence and biophysical properties (such as structural, functional, and spatial information, amino acid conservation, physicochemical variation, residue mobility, and thermodynamic stability) indicates that this missense variant is not expected to disrupt ACADM protein function with a negative predictive value of 80%. In summary, the available evidence is currently insufficient to determine the role of this variant in disease. Therefore, it has been classified as a Variant of Uncertain Significance.